The following is an entry in ClinVar:

NM_000719.7(CACNA1C):c.1381C>A (p.Pro461Thr)

Gene: CACNA1C (calcium voltage-gated channel subunit alpha1 C; plus strand). Cytogenetic location: 12p13.33.
Variant type: single nucleotide variant.
Coding change: c.1381C>A on transcript NM_000719.7 (MANE Select); coding-DNA position 1381, C replaced by A.
Protein change: p.Pro461Thr; replaces proline 461 with threonine.
Molecular consequence: missense variant.
Genome position (GRCh38, 1-based): chr12:2,512,975, C>A. VCF-style: chr12-2512975-C-A. GRCh37 (hg19) VCF-style: chr12-2622141-C-A.
Other names: c.1381C>A, p.Pro461Thr (NM_001129827.2, NM_001129829.2, NM_001129830.3 and 18 more transcripts); c.1372C>A, p.Pro458Thr (NM_001129844.2); short protein forms P461T, P458T.
Identifiers: ClinVar variation 456945 (VCV000456945.5), dbSNP rs776242172, ClinGen allele CA6388689.

ClinVar aggregate classification (germline): Uncertain significance. Review status: criteria provided, multiple submitters, no conflicts (2 of 4 stars). 2 submissions from 2 submitters: Uncertain significance (2). Last evaluated 2025-02-12.

Conditions:
Long QT syndrome (LQTS). Identifiers: MedGen C0023976, MeSH D008133, MONDO:0002442. Disease mechanism: loss of function. Inheritance: Various modes of inheritance.

Allele frequency attached by ClinVar (database versions not stated): ExAC 0.00001.
gnomAD v4.1: 13 of 1,602,278 alleles (0.00081%); highest among the groups gnomAD compares: Non-Finnish European, 0.001%; no homozygotes.

Submissions (2):

GeneDx
Classification: Uncertain significance. Last evaluated: 2025-02-12. Review status: criteria provided, single submitter. Criteria: GeneDx Variant Classification Process June 2021. Collection method: clinical testing. Allele origin: germline. Affected: yes.
Comment: Not observed at significant frequency in large population cohorts (gnomAD); In silico analysis supports that this missense variant has a deleterious effect on protein structure/function; Has not been previously published as pathogenic or benign to our knowledge

Labcorp Genetics (formerly Invitae), Labcorp
Classification: Uncertain significance for Long QT syndrome. Last evaluated: 2021-10-05. Review status: criteria provided, single submitter. Criteria: Invitae Variant Classification Sherloc (09022015). Collection method: clinical testing. Allele origin: germline.
Comment: This sequence change replaces proline with threonine at codon 461 of the CACNA1C protein (p.Pro461Thr). The proline residue is moderately conserved and there is a small physicochemical difference between proline and threonine. This variant is present in population databases (rs776242172, ExAC 0.003%). This variant has not been reported in the literature in individuals affected with CACNA1C-related conditions. ClinVar contains an entry for this variant (Variation ID: 456945). Algorithms developed to predict the effect of missense changes on protein structure and function are either unavailable or do not agree on the potential impact of this missense change (SIFT: "Tolerated"; PolyPhen-2: "Probably Damaging"; Align-GVGD: "Class C0"). In summary, the available evidence is currently insufficient to determine the role of this variant in disease. Therefore, it has been classified as a Variant of Uncertain Significance.